The following is an entry in ClinVar:

NM_000215.4(JAK3):c.1403C>T (p.Ala468Val)

Gene: JAK3 (Janus kinase 3; minus strand). Cytogenetic location: 19p13.11.
Variant type: single nucleotide variant.
Coding change: c.1403C>T on transcript NM_000215.4 (MANE Select); coding-DNA position 1403, C replaced by T.
Protein change: p.Ala468Val; replaces alanine 468 with valine.
Molecular consequence: missense variant.
Genome position (GRCh38, 1-based): chr19:17,839,515, G>A on the plus strand (C>T on the coding strand, the complement: JAK3 is on the minus strand). VCF-style: chr19-17839515-G-A. GRCh37 (hg19) VCF-style: chr19-17950324-G-A.
Other names: short protein forms A468V.
Identifiers: ClinVar variation 1364293 (VCV001364293.3), dbSNP rs2147691045, ClinGen allele CA404770196.
Genomic context (GRCh38, chr19:17,839,515, plus strand): 5'-TCCAGGGGAGGAAGGGGCTCACCTTTGGGTCTGGGGATACAGCAGGAAGTGAGGGTCACT[G>A]CCACCCCATCTACGTGCAGCCCCCCATCCCAGCAGGTTGCCAGGAGCTCTCGAAGACTGC-3'
Protein context (NP_000206.2, residues 458-478): WDGGLHVDGV[Ala468Val]VTLTSCCIPR

ClinVar aggregate classification (germline): Uncertain significance (1 of 4 stars; one submission).

Conditions:
T-B+ severe combined immunodeficiency due to JAK3 deficiency. Also called: SCID, autosomal recessive, T-negative/B-positive type; SCID, T CELL-NEGATIVE, B CELL-POSITIVE, NK CELL-NEGATIVE. Identifiers: Orphanet 35078, MedGen C1833275, MONDO:0010938, OMIM 600802.

gnomAD v4.1: 1 of 1,598,378 alleles (0.000063%); highest among the groups gnomAD compares: Non-Finnish European, 0.000085%; no homozygotes.

Submission:

Labcorp Genetics (formerly Invitae), Labcorp
Classification: Uncertain significance for T-B+ severe combined immunodeficiency due to JAK3 deficiency. Last evaluated: 2022-08-15. Review status: criteria provided, single submitter. Criteria: Invitae Variant Classification Sherloc (09022015). Collection method: clinical testing. Allele origin: germline.
Comment: This sequence change replaces alanine, which is neutral and non-polar, with valine, which is neutral and non-polar, at codon 468 of the JAK3 protein (p.Ala468Val). This variant is not present in population databases (gnomAD no frequency). This variant has not been reported in the literature in individuals affected with JAK3-related conditions. ClinVar contains an entry for this variant (Variation ID: 1364293). Advanced modeling of protein sequence and biophysical properties (such as structural, functional, and spatial information, amino acid conservation, physicochemical variation, residue mobility, and thermodynamic stability) performed at Invitae indicates that this missense variant is not expected to disrupt JAK3 protein function. In summary, the available evidence is currently insufficient to determine the role of this variant in disease. Therefore, it has been classified as a Variant of Uncertain Significance.